The following is an entry in ClinVar:

ClinVar aggregate classification (germline): Pathogenic (1 of 4 stars; one submission).

Submission:

GeneDx
Classification: Pathogenic. Last evaluated: 2018-12-26. Review status: criteria provided, single submitter. Criteria: GeneDx Variant Classification (06012015). Collection method: clinical testing. Allele origin: germline. Affected: yes.
Comment: The c.1284dupG variant in the DDX3X gene has not been reported previously as a pathogenic variant nor as a benign variant, to our knowledge. The c.1284dupG variant causes a frameshift starting with codon Serine 429, changes this amino acid to a Valine residue, and creates a premature Stop codon at position 5 of the new reading frame, denoted p.Ser429ValfsX5. This variant is predicted to cause loss of normal protein function either through protein truncation or nonsense-mediated mRNA decay. The c.1284dupG variant is not observed in large population cohorts (Lek et al., 2016).

NM_001356.5(DDX3X):c.1284dup (p.Ser429fs)

Gene: DDX3X (DEAD-box helicase 3 X-linked; plus strand). Cytogenetic location: Xp11.4.
Variant type: Duplication.
Coding change: c.1284dup on transcript NM_001356.5 (MANE Select); coding-DNA position 1284, one base duplicated (G; older notation c.1284dupG).
Protein change: p.Ser429fs; shifts the reading frame from serine 429.
Molecular consequence: frameshift variant. On other transcripts: non-coding transcript variant (1).
Genome position (GRCh38, 1-based): chrX:41,345,517, G duplicated; the last of 2 consecutive G bases (chrX:41,345,516-41,345,517); duplicating either gives the same sequence. VCF-style (leftmost placement, unchanged base first): chrX-41345515-C-CG. GRCh37 (hg19) VCF-style: chrX-41204768-C-CG.
Other names: c.1284dup, p.Ser429fs (NM_001193416.3); c.1236dup, p.Ser413fs (NM_001193417.3); c.726dup, p.Ser243fs (NM_001363819.1); short protein forms S413fs, S429fs, S243fs.
Identifiers: ClinVar variation 545936 (VCV000545936.2), dbSNP rs1555953894, ClinGen allele CA658824370.
Genomic context (GRCh38, chrX:41,345,515, plus strand): 5'-GTTGGCTCTACCTCTGAAAACATCACACAGAAAGTAGTTTGGGTGGAAGAATCAGACAAA[C>CG]GGTCATTTCTGCTTGACCTCCTAAATGCAACAGGTAACATTATGAATTTTTTATTTTATT-3'